The following is an entry in ClinVar:

NM_006389.5(HYOU1):c.1018A>C (p.Lys340Gln)

Gene: HYOU1 (hypoxia up-regulated 1; minus strand). Cytogenetic location: 11q23.3.
Variant type: single nucleotide variant.
Coding change: c.1018A>C on transcript NM_006389.5 (MANE Select); coding-DNA position 1018, A replaced by C.
Protein change: p.Lys340Gln; replaces lysine 340 with glutamine.
Molecular consequence: missense variant.
Genome position (GRCh38, 1-based): chr11:119,052,399, T>G on the plus strand (A>C on the coding strand, the complement: HYOU1 is on the minus strand). VCF-style: chr11-119052399-T-G. GRCh37 (hg19) VCF-style: chr11-118923111-T-G.
Other names: c.1018A>C, p.Lys340Gln (NM_001130991.3); short protein forms K340Q.
Identifiers: ClinVar variation 1386375 (VCV001386375.6), dbSNP rs2134696708, ClinGen allele CA382942874.

ClinVar aggregate classification (germline): Uncertain significance (1 of 4 stars; one submission).

Submission:

Labcorp Genetics (formerly Invitae), Labcorp
Classification: Uncertain significance. Last evaluated: 2021-04-10. Review status: criteria provided, single submitter. Criteria: Invitae Variant Classification Sherloc (09022015). Collection method: clinical testing. Allele origin: germline.
Comment: This sequence change replaces lysine with glutamine at codon 340 of the HYOU1 protein (p.Lys340Gln). The lysine residue is highly conserved and there is a small physicochemical difference between lysine and glutamine. In summary, the available evidence is currently insufficient to determine the role of this variant in disease. Therefore, it has been classified as a Variant of Uncertain Significance. Algorithms developed to predict the effect of missense changes on protein structure and function are either unavailable or do not agree on the potential impact of this missense change (SIFT: "Not Available"; PolyPhen-2: "Probably Damaging"; Align-GVGD: "Not Available"). This variant has not been reported in the literature in individuals with HYOU1-related conditions. This variant is not present in population databases (ExAC no frequency).